The following is an entry in ClinVar:

ClinVar aggregate classification (germline): Uncertain significance. Review status: criteria provided, multiple submitters, no conflicts (2 of 4 stars). 2 submissions from 2 submitters: Uncertain significance (2). Last evaluated 2024-09-08.

Conditions:
Ectodermal dysplasia and immunodeficiency 2. Identifiers: Orphanet 238468, Orphanet 98813, MedGen C2677481, MONDO:0012806, OMIM 612132.

Allele frequency attached by ClinVar (database versions not stated): gnomAD 0.00001; TOPMed 0.00002.
gnomAD v4.1: 13 of 1,517,066 alleles (0.00086%); highest among the groups gnomAD compares: East Asian, 0.0028%; no homozygotes.

Submissions (2):

Labcorp Genetics (formerly Invitae), Labcorp
Classification: Uncertain significance for Ectodermal dysplasia and immunodeficiency 2. Last evaluated: 2024-09-08. Review status: criteria provided, single submitter. Criteria: Invitae Variant Classification Sherloc (09022015). Collection method: clinical testing. Allele origin: germline.
Comment: This sequence change replaces glutamic acid, which is acidic and polar, with lysine, which is basic and polar, at codon 6 of the NFKBIA protein (p.Glu6Lys). This variant is not present in population databases (gnomAD no frequency). This variant has not been reported in the literature in individuals affected with NFKBIA-related conditions. ClinVar contains an entry for this variant (Variation ID: 440006). An algorithm developed to predict the effect of missense changes on protein structure and function (PolyPhen-2) suggests that this variant is likely to be tolerated. In summary, the available evidence is currently insufficient to determine the role of this variant in disease. Therefore, it has been classified as a Variant of Uncertain Significance.

ARUP Laboratories, Molecular Genetics and Genomics, ARUP Laboratories
Classification: Uncertain significance. Last evaluated: 2017-02-08. Review status: criteria provided, single submitter. Criteria: ARUP Molecular Germline Variant Investigation Process. Collection method: clinical testing. Allele origin: germline.

NM_020529.3(NFKBIA):c.16G>A (p.Glu6Lys)

Genes: NFKBIA (NFKB inhibitor alpha; minus strand), LOC130055497 (ATAC-STARR-seq lymphoblastoid silent region 5676; plus strand). Cytogenetic location: 14q13.2.
Variant type: single nucleotide variant.
Coding change: c.16G>A on transcript NM_020529.3 (MANE Select); coding-DNA position 16, G replaced by A.
Protein change: p.Glu6Lys; replaces glutamic acid 6 with lysine.
Molecular consequence: missense variant.
Genome position (GRCh38, 1-based): chr14:35,404,629, C>T on the plus strand (G>A on the coding strand, the complement: NFKBIA is on the minus strand). VCF-style: chr14-35404629-C-T. GRCh37 (hg19) VCF-style: chr14-35873835-C-T.
Other names: short protein forms E6K.
Identifiers: ClinVar variation 440006 (VCV000440006.12), dbSNP rs923187160, ClinGen allele CA258863095.